The following is an entry in ClinVar:

ClinVar aggregate classification (germline): Pathogenic (1 of 4 stars; one submission).

Submission:

Labcorp Genetics (formerly Invitae), Labcorp
Classification: Pathogenic. Last evaluated: 2023-12-19. Review status: criteria provided, single submitter. Criteria: Invitae Variant Classification Sherloc (09022015). Collection method: clinical testing. Allele origin: unknown.
Comment: This variant is a gross deletion of the genomic region encompassing exon(s) 2-11 of the MUT gene, which includes the initiator codon. This deletion extends beyond the assayed region for this gene and therefore may encompass additional genes. It is expected to result in an absent or disrupted protein product. Loss-of-function variants in MUT are known to be pathogenic (PMID: 15781192). This variant has not been reported in the literature in individuals affected with MUT-related conditions. For these reasons, this variant has been classified as Pathogenic.

Literature cited by the submitters: PubMed 15781192.

NC_000006.11:g.(?_49404228)_(49427219_?)del

Gene: MMUT (methylmalonyl-CoA mutase; minus strand). Cytogenetic location: 6p12.3.
Variant type: Deletion.
Identifiers: ClinVar variation 3246081 (VCV003246081.1).